The following is an entry in ClinVar:

ClinVar aggregate classification (germline): Uncertain significance (1 of 4 stars; one submission).

Submission:

GeneDx
Classification: Uncertain significance. Last evaluated: 2023-12-04. Review status: criteria provided, single submitter. Criteria: GeneDx Variant Classification Process June 2021. Collection method: clinical testing. Allele origin: germline.
Comment: Not observed at significant frequency in large population cohorts (gnomAD); In silico analysis supports that this missense variant has a deleterious effect on protein structure/function; Has not been previously published as pathogenic or benign to our knowledge

NM_001145358.2(SIN3A):c.2403G>T (p.Gln801His)

Gene: SIN3A (SIN3 transcription regulator family member A; minus strand). Cytogenetic location: 15q24.2.
Variant type: single nucleotide variant.
Coding change: c.2403G>T on transcript NM_001145358.2 (MANE Select); coding-DNA position 2403, G replaced by T.
Protein change: p.Gln801His; replaces glutamine 801 with histidine.
Molecular consequence: missense variant.
Genome position (GRCh38, 1-based): chr15:75,392,690, C>A on the plus strand (G>T on the coding strand, the complement: SIN3A is on the minus strand). VCF-style: chr15-75392690-C-A. GRCh37 (hg19) VCF-style: chr15-75685031-C-A.
Other names: c.2403G>T, p.Gln801His (NM_001145357.2, NM_015477.3); short protein forms Q801H.
Identifiers: ClinVar variation 2576718 (VCV002576718.2), dbSNP rs2543076763, ClinGen allele CA393491909.